The following is an entry in ClinVar:

ClinVar aggregate classification (germline): Conflicting classifications of pathogenicity. Review status: criteria provided, conflicting classifications (1 of 4 stars). 2 submissions from 2 submitters: Uncertain significance (1); Likely benign (1). Last evaluated 2025-02-27.

Conditions:
Hereditary nonpolyposis colorectal neoplasms. Identifiers: MedGen C0009405, MeSH D003123.
Hereditary cancer-predisposing syndrome. Also called: Hereditary Cancer Syndrome; Neoplastic Syndromes, Hereditary; Tumor predisposition; Hereditary neoplastic syndrome. Identifiers: Orphanet 140162, MedGen C0027672, MeSH D009386, MONDO:0015356.

Allele frequency attached by ClinVar (database versions not stated): gnomAD exomes below 0.00001; gnomAD 0.00001; TOPMed 0.00001.
gnomAD v4.1: 5 of 1,614,012 alleles (0.00031%); highest among the groups gnomAD compares: Admixed American, 0.0033%; no homozygotes.

Submissions (2):

Labcorp Genetics (formerly Invitae), Labcorp
Classification: Likely benign for Hereditary nonpolyposis colorectal neoplasms. Last evaluated: 2025-02-27. Review status: criteria provided, single submitter. Criteria: Invitae Variant Classification Sherloc (09022015). Collection method: clinical testing. Allele origin: germline.

Ambry Genetics
Classification: Uncertain significance for Hereditary cancer-predisposing syndrome. Last evaluated: 2024-10-27. Review status: criteria provided, single submitter. Criteria: Ambry Variant Classification Scheme 2023. Collection method: clinical testing. Allele origin: germline.
Comment: The p.P590R variant (also known as c.1769C>G), located in coding exon 4 of the MSH6 gene, results from a C to G substitution at nucleotide position 1769. The proline at codon 590 is replaced by arginine, an amino acid with dissimilar properties. This amino acid position is not well conserved in available vertebrate species. In addition, the in silico prediction for this alteration is inconclusive. Based on the available evidence, the clinical significance of this variant remains unclear.

NM_000179.3(MSH6):c.1769C>G (p.Pro590Arg)

Gene: MSH6 (mutS homolog 6; plus strand). Cytogenetic location: 2p16.3.
Variant type: single nucleotide variant.
Coding change: c.1769C>G on transcript NM_000179.3 (MANE Select); coding-DNA position 1769, C replaced by G.
Protein change: p.Pro590Arg; replaces proline 590 with arginine.
Molecular consequence: missense variant.
Genome position (GRCh38, 1-based): chr2:47,799,752, C>G. VCF-style: chr2-47799752-C-G. GRCh37 (hg19) VCF-style: chr2-48026891-C-G.
Other names: c.1379C>G, p.Pro460Arg (NM_001281492.2); c.863C>G, p.Pro288Arg (NM_001281493.2, NM_001281494.2); short protein forms P590R, P460R, P288R.
Identifiers: ClinVar variation 479875 (VCV000479875.16), dbSNP rs587782635, ClinGen allele CA346749146.
Genomic context (GRCh38, chr2:47,799,752, plus strand): 5'-TAGGTCAGTTTTCAGATGATCGCCATTGTTCGAGATTTAGGACTCTAGTGGCACACTATC[C>G]CCCAGTACAAGTTTTATTTGAAAAAGGAAATCTCTCAAAGGAAACTAAAACAATTCTAAA-3'
Protein context (NP_000170.1, residues 580-600): SRFRTLVAHY[Pro590Arg]PVQVLFEKGN